The following is an entry in ClinVar:

NM_015046.7(SETX):c.5203G>A (p.Val1735Ile)

Gene: SETX (senataxin; minus strand). Cytogenetic location: 9q34.13.
Variant type: single nucleotide variant.
Coding change: c.5203G>A on transcript NM_015046.7 (MANE Select); coding-DNA position 5203, G replaced by A.
Protein change: p.Val1735Ile; replaces valine 1735 with isoleucine.
Molecular consequence: missense variant.
Genome position (GRCh38, 1-based): chr9:132,326,395, C>T on the plus strand (G>A on the coding strand, the complement: SETX is on the minus strand). VCF-style: chr9-132326395-C-T. GRCh37 (hg19) VCF-style: chr9-135201782-C-T.
Other names: c.5203G>A, p.Val1735Ile (NM_001351527.2, NM_001351528.2); short protein forms V1735I.
Identifiers: ClinVar variation 432889 (VCV000432889.12), dbSNP rs752646721, ClinGen allele CA5297055.

ClinVar aggregate classification (germline): Conflicting classifications of pathogenicity. Review status: criteria provided, conflicting classifications (1 of 4 stars). 7 submissions from 6 submitters: Uncertain significance (6); Likely benign (1). Last evaluated 2025-08-06.

Conditions:
SETX-related disorder. Also called: SETX-related condition; SETX-related disorders. Identifiers: MedGen CN239403.
Spinocerebellar ataxia, autosomal recessive, with axonal neuropathy 2 (SCAN2). Also called: Ataxia-ocular apraxia-2; ATAXIA-OCULOMOTOR APRAXIA 2; Ataxia with Oculomotor Apraxia; Ataxia with Oculomotor Apraxia Type 2. Identifiers: Orphanet 64753, MedGen C1853761, MONDO:0018996, OMIM 606002.
Amyotrophic lateral sclerosis type 4 (ALS4). Also called: AMYOTROPHIC LATERAL SCLEROSIS 4, JUVENILE; NEURONOPATHY, DISTAL HEREDITARY MOTOR, WITH PYRAMIDAL FEATURES. Identifiers: Orphanet 357043, MedGen C1865409, MONDO:0011223, OMIM 602433.

Allele frequency attached by ClinVar (database versions not stated): gnomAD 0.00001; gnomAD exomes 0.00001; ExAC 0.00002.
gnomAD v4.1: 14 of 1,613,978 alleles (0.00087%); highest among the groups gnomAD compares: Non-Finnish European, 0.001%; no homozygotes.

Submissions (7):

PreventionGenetics, part of Exact Sciences
Classification: Uncertain significance for SETX-related condition. Last evaluated: 2025-08-06. Review status: criteria provided, single submitter. Criteria: ACMG Guidelines, 2015. Collection method: clinical testing. Allele origin: germline.
Comment: The SETX c.5203G>A variant is predicted to result in the amino acid substitution p.Val1735Ile. To our knowledge, this variant has not been reported in the literature. This variant is reported in 0.0031% of alleles in individuals of European (non-Finnish) descent in gnomAD. At this time, the clinical significance of this variant is uncertain due to the absence of conclusive functional and genetic evidence.

Labcorp Genetics (formerly Invitae), Labcorp
Classification: Likely benign for Amyotrophic lateral sclerosis type 4; Spinocerebellar ataxia, autosomal recessive, with axonal neuropathy 2. Last evaluated: 2025-01-20. Review status: criteria provided, single submitter. Criteria: Invitae Variant Classification Sherloc (09022015). Collection method: clinical testing. Allele origin: germline.

Athena Diagnostics
Classification: Uncertain significance. Last evaluated: 2024-07-10. Review status: criteria provided, single submitter. Criteria: Athena Diagnostics Criteria. Collection method: clinical testing. Allele origin: unknown.
Comment: Available data are insufficient to determine the clinical significance of the variant at this time. The frequency of this variant in the general population is uninformative in assessment of its pathogenicity. Polyphen and MutationTaster predict this amino acid change may be benign.

Genome-Nilou Lab
Classification: Uncertain significance for Spinocerebellar ataxia, autosomal recessive, with axonal neuropathy 2. Last evaluated: 2023-02-08. Review status: criteria provided, single submitter. Criteria: ACMG Guidelines, 2015. Collection method: clinical testing. Allele origin: germline.

Genome-Nilou Lab
Classification: Uncertain significance for Amyotrophic lateral sclerosis type 4. Last evaluated: 2023-02-08. Review status: criteria provided, single submitter. Criteria: ACMG Guidelines, 2015. Collection method: clinical testing. Allele origin: germline.

Laboratorio de Genetica e Diagnostico Molecular, Hospital Israelita Albert Einstein
Classification: Uncertain significance. Last evaluated: 2020-04-09. Review status: criteria provided, single submitter. Criteria: ACMG Guidelines, 2015. Collection method: clinical testing. Allele origin: germline. Affected: yes.
Comment: ACMG classification criteria: PM2, BP4

GeneDx
Classification: Uncertain significance. Last evaluated: 2017-06-21. Review status: criteria provided, single submitter. Criteria: GeneDx Variant Classification (06012015). Collection method: clinical testing. Allele origin: germline. Affected: yes.
Comment: A variant of uncertain significance has been identified in the SETX gene. The V1735I variant has not been published as a pathogenic variant, nor has it been reported as a benign variant to our knowledge. The V1735I variant is observed in 2/66208 (0.003%) alleles from individuals of European background (Lek et al., 2016; 1000 Genomes Consortium et al., 2015; Exome Variant Server). The V1735I variant is a conservative amino acid substitution, which is not likely to impact secondary protein structure as these residues share similar properties. This substitution occurs at a position where amino acids with similar properties to Valine are tolerated across species. In silico analysis is inconsistent in its predictions as to whether or not the variant is damaging to the protein structure/function. Therefore, based on the currently available information, it is unclear whether this variant is a pathogenic variant or a rare benign variant.